The following is an entry in ClinVar:

NM_001122659.3(EDNRB):c.1194+1G>C

Genes: EDNRB (endothelin receptor type B; minus strand), EDNRB-AS1 (EDNRB antisense RNA 1; plus strand). Cytogenetic location: 13q22.3.
Variant type: single nucleotide variant.
Coding change: c.1194+1G>C on transcript NM_001122659.3 (MANE Select); the canonical splice donor site of the intron after coding-DNA position 1194, G replaced by C.
Molecular consequence: splice donor variant.
Genome position (GRCh38, 1-based): chr13:77,899,858, C>G on the plus strand (G>C on the coding strand, the complement: EDNRB is on the minus strand). VCF-style: chr13-77899858-C-G. GRCh37 (hg19) VCF-style: chr13-78473993-C-G.
Other names: c.1194+1G>C (NM_000115.5, NM_003991.4); c.1464+1G>C (NM_001201397.2).
Identifiers: ClinVar variation 1341593 (VCV001341593.3), dbSNP rs1308510231, ClinGen allele CA388450880.

ClinVar aggregate classification (germline): Pathogenic (1 of 4 stars; one submission).

Allele frequency attached by ClinVar (database versions not stated): gnomAD exomes below 0.00001.
gnomAD v4.1: 5 of 1,610,196 alleles (0.00031%); highest among the groups gnomAD compares: Non-Finnish European, 0.00042%; no homozygotes.

Submission:

GeneDx
Classification: Pathogenic. Last evaluated: 2023-03-02. Review status: criteria provided, single submitter. Criteria: GeneDx Variant Classification Process June 2021. Collection method: clinical testing. Allele origin: germline. Affected: yes.
Comment: Canonical splice site variant predicted to result in a null allele in a gene for which loss-of-function is a known mechanism of disease; Not observed at significant frequency in large population cohorts (gnomAD); Has not been previously published as pathogenic or benign to our knowledge